The following is an entry in ClinVar:

NM_014846.4(WASHC5):c.1688+5T>G

Gene: WASHC5 (WASH complex subunit 5; minus strand). Cytogenetic location: 8q24.13.
Variant type: single nucleotide variant.
Coding change: c.1688+5T>G on transcript NM_014846.4 (MANE Select); 5 bases into the intron after coding-DNA position 1688, T replaced by G.
Molecular consequence: intron variant.
Genome position (GRCh38, 1-based): chr8:125,059,371, A>C on the plus strand (T>G on the coding strand, the complement: WASHC5 is on the minus strand). VCF-style: chr8-125059371-A-C. GRCh37 (hg19) VCF-style: chr8-126071613-A-C.
Other names: c.1244+5T>G (NM_001330609.2).
Identifiers: ClinVar variation 2191335 (VCV002191335.4), dbSNP rs766885418, ClinGen allele CA1817265018.
Genomic context (GRCh38, chr8:125,059,371, plus strand): 5'-AGAAACGGTAAGAAGATGTTCCTAGGGCCTTTCATCTACAGCAAATGTCAGGCTGCCTAC[A>C]TTACCTGTCAATCAACTGCCAAGCGAAAGAAAGGTCCCCAACGATCTGCATTGTGATCAG-3'

ClinVar aggregate classification (germline): Uncertain significance (1 of 4 stars; one submission).

Conditions:
Hereditary spastic paraplegia 8 (SPG8). Also called: SPASTIC PARAPLEGIA 8, AUTOSOMAL DOMINANT. Identifiers: Orphanet 100989, MedGen C1863704, MONDO:0011339, OMIM 603563.
Ritscher-Schinzel syndrome. Also called: CRANIOCEREBELLOCARDIAC DYSPLASIA. Identifiers: Orphanet 7, MedGen C0796137, MONDO:0019078.

gnomAD v4.1: 3 of 1,614,166 alleles (0.00019%); highest among the groups gnomAD compares: African/African-American, 0.0013%; no homozygotes.

Submission:

Labcorp Genetics (formerly Invitae), Labcorp
Classification: Uncertain significance for Ritscher-Schinzel syndrome; Hereditary spastic paraplegia 8. Last evaluated: 2022-08-19. Review status: criteria provided, single submitter. Criteria: Invitae Variant Classification Sherloc (09022015). Collection method: clinical testing. Allele origin: germline.
Comment: This sequence change falls in intron 13 of the WASHC5 gene. It does not directly change the encoded amino acid sequence of the WASHC5 protein. It affects a nucleotide within the consensus splice site. This variant is not present in population databases (gnomAD no frequency). This variant has not been reported in the literature in individuals affected with WASHC5-related conditions. Variants that disrupt the consensus splice site are a relatively common cause of aberrant splicing (PMID: 17576681, 9536098). Algorithms developed to predict the effect of sequence changes on RNA splicing suggest that this variant may create or strengthen a splice site. In summary, the available evidence is currently insufficient to determine the role of this variant in disease. Therefore, it has been classified as a Variant of Uncertain Significance.

Literature cited by the submitters: PubMed 17576681; PubMed 9536098.